The following is an entry in ClinVar:

NM_001375405.1(CEP120):c.1112A>G (p.Lys371Arg)

Gene: CEP120 (centrosomal protein 120; minus strand). Cytogenetic location: 5q23.2.
Variant type: single nucleotide variant.
Coding change: c.1112A>G on transcript NM_001375405.1 (MANE Select); coding-DNA position 1112, A replaced by G.
Protein change: p.Lys371Arg; replaces lysine 371 with arginine.
Molecular consequence: missense variant. On other transcripts: non-coding transcript variant (1), intron variant (1).
Genome position (GRCh38, 1-based): chr5:123,390,067, T>C on the plus strand (A>G on the coding strand, the complement: CEP120 is on the minus strand). VCF-style: chr5-123390067-T-C. GRCh37 (hg19) VCF-style: chr5-122725761-T-C.
Other names: p.Lys371Arg; c.1034A>G, p.Lys345Arg (NM_001166226.2); c.1112A>G, p.Lys371Arg (NM_001375407.1, NM_153223.4); c.539A>G, p.Lys180Arg (NM_001375408.1, NM_001375409.1); c.1039-62A>G (NM_001375406.1); short protein forms K345R, K180R, K371R.
Identifiers: ClinVar variation 707477 (VCV000707477.50), dbSNP rs114281792, ClinGen allele CA3387052.

ClinVar aggregate classification (germline): Benign/Likely benign. Review status: criteria provided, multiple submitters, no conflicts (2 of 4 stars). 9 submissions from 9 submitters: Benign (3); Likely benign (5). 1 of the submissions does not count toward it. Last evaluated 2026-06-01.

Conditions:
CEP120-related disorder. Also called: CEP120-Related Disorders; CEP120-related condition.
Joubert syndrome 31. Identifiers: MedGen C4540355, MONDO:0033310, OMIM 617761.
Inborn genetic diseases. Identifiers: MedGen C0950123, MeSH D030342.
Short-rib thoracic dysplasia 13 with or without polydactyly (SRTD13). Identifiers: Orphanet 474, MedGen C4225378, MONDO:0014577, OMIM 616300.

Allele frequency attached by ClinVar (database versions not stated): 1000 Genomes Project 0.00319; 1000 Genomes Project 30x 0.00328; ExAC 0.00341; gnomAD exomes 0.00357 and 0.00552; gnomAD 0.00419 and 0.00421; ESP Exome Variant Server 0.00444; TOPMed 0.00460.
gnomAD v4.1: 8,679 of 1,614,138 alleles (0.54%); highest among the groups gnomAD compares: Non-Finnish European, 0.66%; 36 homozygotes.

Submissions (9):

CeGaT Center for Human Genetics Tuebingen
Classification: Likely benign. Last evaluated: 2026-06-01. Review status: criteria provided, single submitter. Criteria: CeGaT Center For Human Genetics Tuebingen Variant Classification Criteria Version 2. Collection method: clinical testing. Allele origin: germline. Affected: yes. Observed: 16 variant alleles.
Comment: CEP120: BP4, BS2

Labcorp Genetics (formerly Invitae), Labcorp
Classification: Benign for Short-rib thoracic dysplasia 13 with or without polydactyly. Last evaluated: 2026-02-01. Review status: criteria provided, single submitter. Criteria: Invitae Variant Classification Sherloc (09022015). Collection method: clinical testing. Allele origin: germline.

Mayo Clinic Laboratories, Mayo Clinic
Classification: Likely benign. Last evaluated: 2025-06-24. Review status: criteria provided, single submitter. Criteria: ACMG Guidelines, 2015. Collection method: clinical testing. Allele origin: germline. Observed: 1 variant allele.
Comment: BS1, BP4_moderate

Ambry Genetics
Classification: Likely benign for Inborn genetic diseases. Last evaluated: 2021-08-09. Review status: criteria provided, single submitter. Criteria: Ambry Variant Classification Scheme 2023. Collection method: clinical testing. Allele origin: germline.

Dubai Health Genomic Medicine Center, Dubai Health
Classification: Benign for Joubert syndrome 31. Last evaluated: 2020-12-14. Review status: criteria provided, single submitter. Criteria: ACMG Guidelines, 2015. Collection method: clinical testing. Allele origin: germline. Affected: yes.

GeneDx
Classification: Benign. Last evaluated: 2019-03-22. Review status: criteria provided, single submitter. Criteria: GeneDx Variant Classification Process June 2021. Collection method: clinical testing. Allele origin: germline. Affected: yes.

Genetic Services Laboratory, University of Chicago
Classification: Likely benign. Last evaluated: 2017-08-24. Review status: criteria provided, single submitter. Criteria: ACMG Guidelines, 2015. Collection method: clinical testing. Allele origin: germline. Affected: no.

Breakthrough Genomics
Classification: Likely benign. Review status: criteria provided, single submitter. Criteria: ACMG Guidelines, 2015. Collection method: not provided. Allele origin: germline. Inheritance: Autosomal recessive inheritance. Affected: yes.

PreventionGenetics, part of Exact Sciences
Classification: Likely benign for CEP120-related condition. Last evaluated: 2019-09-10. Review status: no assertion criteria provided. Collection method: clinical testing. Allele origin: germline. Not counted in ClinVar's aggregate classification.
Comment: This variant is classified as likely benign based on ACMG/AMP sequence variant interpretation guidelines (Richards et al. 2015 PMID: 25741868, with internal and published modifications).